The following is an entry in ClinVar:

NM_138638.5(CFL2):c.*35C>T

Gene: CFL2 (cofilin 2; minus strand). Cytogenetic location: 14q13.1.
Variant type: single nucleotide variant.
Coding change: c.*35C>T on transcript NM_138638.5 (MANE Select); 35 bases downstream of the stop codon, C replaced by T.
Molecular consequence: 3 prime UTR variant. On other transcripts: non-coding transcript variant (2).
Genome position (GRCh38, 1-based): chr14:34,712,830, G>A on the plus strand (C>T on the coding strand, the complement: CFL2 is on the minus strand). VCF-style: chr14-34712830-G-A. GRCh37 (hg19) VCF-style: chr14-35182036-G-A.
Other names: c.*35C>T (NM_001243645.2, NM_021914.8).
Identifiers: ClinVar variation 313095 (VCV000313095.9), dbSNP rs115050412, ClinGen allele CA7152245.

ClinVar aggregate classification (germline): Benign/Likely benign. Review status: criteria provided, multiple submitters, no conflicts (2 of 4 stars). 3 submissions from 3 submitters: Benign (1); Likely benign (2). Last evaluated 2018-07-26.

Conditions:
Nemaline myopathy 7 (NEM7). Also called: Nemaline myopathy 7, autosomal recessive. Identifiers: Orphanet 171436, MedGen C1853154, MONDO:0012538, OMIM 610687.

Allele frequency attached by ClinVar (database versions not stated): TOPMed 0.01404; gnomAD 0.01172; 1000 Genomes Project 0.01318; 1000 Genomes Project 30x 0.01359; ESP Exome Variant Server 0.01438.
gnomAD v4.1: 3,262 of 1,144,128 alleles (0.29%); highest among the groups gnomAD compares: African/African-American, 4.3%; 72 homozygotes.

Submissions (3):

GeneDx
Classification: Likely benign. Last evaluated: 2018-07-26. Review status: criteria provided, single submitter. Criteria: GeneDx Variant Classification Process June 2021. Collection method: clinical testing. Allele origin: germline. Affected: yes.

Illumina Laboratory Services, Illumina
Classification: Benign for Nemaline myopathy 7. Last evaluated: 2018-01-12. Review status: criteria provided, single submitter. Criteria: ICSL Variant Classification Criteria 13 December 2019. Collection method: clinical testing. Allele origin: germline.
Comment: This variant was observed in the ICSL laboratory as part of a predisposition screen in an ostensibly healthy population. It had not been previously curated by ICSL or reported in the Human Gene Mutation Database (HGMD: prior to June 1st, 2018), and was therefore a candidate for classification through an automated scoring system. Utilizing variant allele frequency, disease prevalence and penetrance estimates, and inheritance mode, an automated score was calculated to assess if this variant is too frequent to cause the disease. Based on the score and internal cut-off values, a variant classified as benign is not then subjected to further curation. The score for this variant resulted in a classification of benign for this disease.

Breakthrough Genomics
Classification: Likely benign. Review status: criteria provided, single submitter. Criteria: ACMG Guidelines, 2015. Collection method: not provided. Allele origin: germline. Inheritance: Autosomal recessive inheritance. Affected: yes.